The following is an entry in ClinVar:

ClinVar aggregate classification (germline): Benign/Likely benign. Review status: criteria provided, multiple submitters, no conflicts (2 of 4 stars). 7 submissions from 7 submitters: Benign (1); Likely benign (3). 3 of the submissions do not count toward it. Last evaluated 2025-03-04.

Conditions:
Breast and/or ovarian cancer. Identifiers: MedGen CN221562.
Hereditary breast ovarian cancer syndrome. Also called: BRCA1- and BRCA2-Associated Hereditary Breast and Ovarian Cancer; Hereditary breast and ovarian cancer; Hereditary breast and/or ovarian cancer syndrome; Hereditary breast and ovarian cancer syndrome; Hereditary breast and ovarian cancer syndrome (HBOC); Breast and ovarian cancer. Identifiers: Orphanet 145, MedGen C0677776, MeSH D061325, MONDO:0003582. Disease mechanism: loss of function.
Familial cancer of breast. Also called: BREAST CANCER, FAMILIAL; hereditary breast carcinoma; Hereditary breast cancer. Identifiers: Orphanet 227535, MedGen C0346153, MONDO:0016419, OMIM 114480. Disease mechanism: loss of function.

Submissions (7):

Center for Genomic Medicine, Rigshospitalet, Copenhagen University Hospital
Classification: Likely benign. Last evaluated: 2025-03-04. Review status: criteria provided, single submitter. Criteria: ACMG Guidelines, 2015. Collection method: clinical testing. Allele origin: germline.

National Health Laboratory Service, Universitas Academic Hospital and University of the Free State
Classification: Likely benign for Hereditary breast ovarian cancer syndrome. Last evaluated: 2022-04-19. Review status: criteria provided, single submitter. Criteria: ACMG Guidelines, 2015. Collection method: clinical testing. Allele origin: germline. Affected: yes. Observed: 1 variant allele.

CHEO Genetics Diagnostic Laboratory, Children's Hospital of Eastern Ontario
Classification: Benign for Breast and/or ovarian cancer. Last evaluated: 2021-06-29. Review status: criteria provided, single submitter. Criteria: ACMG Guidelines, 2015. Collection method: clinical testing. Allele origin: germline.

GeneDx
Classification: Likely benign. Last evaluated: 2019-08-11. Review status: criteria provided, single submitter. Criteria: GeneDx Variant Classification Process June 2021. Collection method: clinical testing. Allele origin: germline. Affected: yes.

Leiden Open Variation Database
Classification: Likely benign for Familial cancer of breast. Last evaluated: 2020-02-28. Review status: no assertion criteria provided. Collection method: curation. Allele origin: germline. Affected: yes. Not counted in ClinVar's aggregate classification.
Comment: Curators: Marc Tischkowitz, Arleen D. Auerbach. Submitter to LOVD: Marc Tischkowitz.

Clinical Genetics Laboratory, Department of Pathology, Netherlands Cancer Institute
Classification: Likely benign. Review status: no assertion criteria provided. Collection method: clinical testing. Allele origin: germline. Affected: yes. Study: VKGL Data-share Consensus. Not counted in ClinVar's aggregate classification.

Diagnostic Laboratory, Department of Genetics, University Medical Center Groningen
Classification: Likely benign. Review status: no assertion criteria provided. Collection method: clinical testing. Allele origin: germline. Affected: yes. Study: VKGL Data-share Consensus. Not counted in ClinVar's aggregate classification.

Literature cited by the submitters: PubMed 23448497 (cited by Leiden Open Variation Database).

NM_024675.4(PALB2):c.1684+18TGA[9]

Gene: PALB2 (partner and localizer of BRCA2; minus strand). Cytogenetic location: 16p12.2.
Variant type: Microsatellite.
Coding change: c.1684+18TGA[9] on transcript NM_024675.4 (MANE Select); nine copies in a row of the 3-base unit TGA starting at c.1684+18; the reference has eight copies in a row; one copy, 3 bases duplicated.
Molecular consequence: intron variant.
Genome position (GRCh38, 1-based): chr16:23,634,821-23,634,823, TCA duplicated on the plus strand (TGA on the coding strand, the reverse complement: PALB2 is on the minus strand); duplicating any 3 consecutive bases within chr16:23,634,821-23,634,844 gives the same sequence; the position shown is the placement nearest the transcript's 3' end. VCF-style (leftmost placement, unchanged base first): chr16-23634820-T-TTCA. GRCh37 (hg19) VCF-style: chr16-23646141-T-TTCA.
Other names: c.1684+39_1684+41dup (NM_024675.4, NM_024675.3); c.1684+39_1684+41dupTGA (NM_024675.4).
Identifiers: ClinVar variation 126618 (VCV000126618.18), dbSNP rs368593832, ClinGen allele CA269508.